The following is an entry in ClinVar:

ClinVar aggregate classification (germline): Uncertain significance (1 of 4 stars; one submission).

Allele frequency attached by ClinVar (database versions not stated): TOPMed below 0.00001; gnomAD 0.00001.

Submission:

Labcorp Genetics (formerly Invitae), Labcorp
Classification: Uncertain significance. Last evaluated: 2021-05-27. Review status: criteria provided, single submitter. Criteria: Invitae Variant Classification Sherloc (09022015). Collection method: clinical testing. Allele origin: germline.
Comment: This sequence change replaces arginine with histidine at codon 80 of the GTPBP3 protein (p.Arg80His). The arginine residue is moderately conserved and there is a small physicochemical difference between arginine and histidine. This variant is not present in population databases (ExAC no frequency). This variant has not been reported in the literature in individuals with GTPBP3-related conditions. Algorithms developed to predict the effect of missense changes on protein structure and function are either unavailable or do not agree on the potential impact of this missense change (SIFT: "Deleterious"; PolyPhen-2: "Probably Damaging"; Align-GVGD: "Class C0"). In summary, the available evidence is currently insufficient to determine the role of this variant in disease. Therefore, it has been classified as a Variant of Uncertain Significance.

NM_032620.4(GTPBP3):c.239G>A (p.Arg80His)

Gene: GTPBP3 (GTP binding protein 3, mitochondrial; plus strand). Cytogenetic location: 19p13.11.
Variant type: single nucleotide variant.
Coding change: c.239G>A on transcript NM_032620.4 (MANE Select); coding-DNA position 239, G replaced by A.
Protein change: p.Arg80His; replaces arginine 80 with histidine.
Molecular consequence: missense variant.
Genome position (GRCh38, 1-based): chr19:17,338,193, G>A. VCF-style: chr19-17338193-G-A. GRCh37 (hg19) VCF-style: chr19-17449002-G-A.
Other names: c.239G>A, p.Arg80His (NM_001128855.3, NM_133644.4); c.305G>A, p.Arg102His (NM_001195422.1); short protein forms R102H, R80H.
Identifiers: ClinVar variation 1361193 (VCV001361193.8), dbSNP rs1350473881, ClinGen allele CA404732111.